The following is an entry in ClinVar:

NM_000426.4(LAMA2):c.3449_3453del (p.Pro1150fs)

Gene: LAMA2 (laminin subunit alpha 2; plus strand). Cytogenetic location: 6q22.33.
Variant type: Deletion.
Coding change: c.3449_3453del on transcript NM_000426.4 (MANE Select); coding-DNA positions 3449 to 3453, 5 bases deleted (CTGGC; older notation c.3449_3453delCTGGC).
Protein change: p.Pro1150fs; shifts the reading frame from proline 1150.
Molecular consequence: frameshift variant.
Genome position (GRCh38, 1-based): chr6:129,314,692-129,314,696, CTGGC deleted; deleting any 5 consecutive bases within chr6:129,314,689-129,314,696 gives the same sequence; the c. name uses the placement nearest the transcript's 3' end. VCF-style (leftmost placement, unchanged base first): chr6-129314688-CGGCCT-C. GRCh37 (hg19) VCF-style: chr6-129635833-CGGCCT-C.
Other names: c.3449_3453del, p.Pro1150fs (NM_001079823.2); short protein forms P1150fs.
Identifiers: ClinVar variation 864296 (VCV000864296.1), dbSNP rs1774464446, ClinGen allele CA916081483.

ClinVar aggregate classification (germline): Pathogenic (1 of 4 stars; one submission).

Conditions:
LAMA2-related muscular dystrophy (LAMA2-RD). Also called: Laminin alpha 2-related dystrophy. Identifiers: MedGen C5679788, MONDO:0100228.

Submission:

Labcorp Genetics (formerly Invitae), Labcorp
Classification: Pathogenic for Laminin alpha 2-related dystrophy. Last evaluated: 2019-04-24. Review status: criteria provided, single submitter. Criteria: Invitae Variant Classification Sherloc (09022015). Collection method: clinical testing. Allele origin: germline.
Comment: This sequence change creates a premature translational stop signal (p.Pro1150Glnfs*26) in the LAMA2 gene. It is expected to result in an absent or disrupted protein product. This variant is not present in population databases (ExAC no frequency). This variant has not been reported in the literature in individuals with LAMA2-related conditions. Loss-of-function variants in LAMA2 are known to be pathogenic (PMID: 18700894). For these reasons, this variant has been classified as Pathogenic.